The following is an entry in ClinVar:

NM_198578.4(LRRK2):c.4267A>G (p.Lys1423Glu)

Gene: LRRK2 (leucine rich repeat kinase 2; plus strand). Cytogenetic location: 12q12.
Variant type: single nucleotide variant.
Coding change: c.4267A>G on transcript NM_198578.4 (MANE Select); coding-DNA position 4267, A replaced by G.
Protein change: p.Lys1423Glu; replaces lysine 1423 with glutamic acid.
Molecular consequence: missense variant.
Genome position (GRCh38, 1-based): chr12:40,309,183, A>G. VCF-style: chr12-40309183-A-G. GRCh37 (hg19) VCF-style: chr12-40702985-A-G.
Other names: short protein forms K1423E.
Identifiers: ClinVar variation 3229642 (VCV003229642.1), dbSNP rs1220835935, ClinGen allele CA384418128.

ClinVar aggregate classification (germline): Uncertain significance (1 of 4 stars; one submission).

Conditions:
Inborn genetic diseases. Identifiers: MedGen C0950123, MeSH D030342.

Submission:

Ambry Genetics
Classification: Uncertain significance for Inborn genetic diseases. Last evaluated: 2023-10-27. Review status: criteria provided, single submitter. Criteria: Ambry Variant Classification Scheme 2023. Collection method: clinical testing. Allele origin: germline.
Comment: The p.K1423E variant (also known as c.4267A>G), located in coding exon 30 of the LRRK2 gene, results from an A to G substitution at nucleotide position 4267. The lysine at codon 1423 is replaced by glutamic acid, an amino acid with similar properties. This amino acid position is conserved. In addition, the in silico prediction for this alteration is inconclusive. Since supporting evidence is limited at this time, the clinical significance of this alteration remains unclear.